The following is an entry in ClinVar:

ClinVar aggregate classification (germline): Uncertain significance (1 of 4 stars; one submission).

Conditions:
Inborn genetic diseases. Identifiers: MedGen C0950123, MeSH D030342.

Submission:

Ambry Genetics
Classification: Uncertain significance for Inborn genetic diseases. Last evaluated: 2026-02-19. Review status: criteria provided, single submitter. Criteria: Ambry Variant Classification Scheme 2023. Collection method: clinical testing. Allele origin: germline.
Comment: The p.S1141C variant (also known as c.3421A>T), located in coding exon 24 of the ANKRD26 gene, results from an A to T substitution at nucleotide position 3421. The serine at codon 1141 is replaced by cysteine, an amino acid with dissimilar properties. This amino acid position is conserved. In addition, this alteration is predicted to be tolerated by in silico analysis. Based on the available evidence, the clinical significance of this variant remains unclear.

NM_014915.3(ANKRD26):c.3421A>T (p.Ser1141Cys)

Gene: ANKRD26 (ankyrin repeat domain 26; minus strand). Cytogenetic location: 10p12.1.
Variant type: single nucleotide variant.
Coding change: c.3421A>T on transcript NM_014915.3 (MANE Select); coding-DNA position 3421, A replaced by T.
Protein change: p.Ser1141Cys; replaces serine 1141 with cysteine.
Molecular consequence: missense variant.
Genome position (GRCh38, 1-based): chr10:27,035,029, T>A on the plus strand (A>T on the coding strand, the complement: ANKRD26 is on the minus strand). VCF-style: chr10-27035029-T-A. GRCh37 (hg19) VCF-style: chr10-27323958-T-A.
Other names: c.3418A>T, p.Ser1140Cys (NM_001256053.2); short protein forms S1141C, S1140C.
Identifiers: ClinVar variation 4845152 (VCV004845152.1).